The following is an entry in ClinVar:

NM_017763.6(RNF43):c.1403C>G (p.Ser468Ter)

Gene: RNF43 (ring finger protein 43; minus strand). Cytogenetic location: 17q22.
Variant type: single nucleotide variant.
Coding change: c.1403C>G on transcript NM_017763.6 (MANE Select); coding-DNA position 1403, C replaced by G.
Protein change: p.Ser468Ter; replaces serine 468 with a stop codon.
Molecular consequence: nonsense.
Genome position (GRCh38, 1-based): chr17:58,358,373, G>C on the plus strand (C>G on the coding strand, the complement: RNF43 is on the minus strand). VCF-style: chr17-58358373-G-C. GRCh37 (hg19) VCF-style: chr17-56435734-G-C.
Other names: c.1403C>G, p.Ser468Ter (NM_001305544.3, NM_001438820.1, NM_001438821.1 and 1 more transcripts); c.1022C>G, p.Ser341Ter (NM_001305545.2, NM_001437987.1); short protein forms S341*, S468*.
Identifiers: ClinVar variation 4812956 (VCV004812956.1).

ClinVar aggregate classification (germline): Pathogenic (1 of 4 stars; one submission).

Conditions:
Sessile serrated polyposis cancer syndrome (SSPCS). Identifiers: Orphanet 157798, MedGen C4310714, MONDO:0014919, OMIM 617108.

gnomAD v4.1: 1 of 1,614,162 alleles (0.000062%); highest among the groups gnomAD compares: Middle Eastern, 0.016%; no homozygotes.

Submission:

Myriad Genetics, Inc.
Classification: Pathogenic for Sessile serrated polyposis cancer syndrome. Last evaluated: 2025-12-15. Review status: criteria provided, single submitter. Criteria: Myriad Autosomal Dominant, Autosomal Recessive and X-Linked Classification Criteria (2023). Collection method: clinical testing. Allele origin: unknown.
Comment: This variant is considered pathogenic. This variant creates a termination codon and is predicted to result in premature protein truncation.